The following is an entry in ClinVar:

ClinVar aggregate classification (germline): Uncertain significance (1 of 4 stars; one submission).

Submission:

Labcorp Genetics (formerly Invitae), Labcorp
Classification: Uncertain significance. Last evaluated: 2022-03-20. Review status: criteria provided, single submitter. Criteria: Invitae Variant Classification Sherloc (09022015). Collection method: clinical testing. Allele origin: germline.
Comment: This sequence change replaces glutamine, which is neutral and polar, with arginine, which is basic and polar, at codon 244 of the SBF1 protein (p.Gln244Arg). This variant is not present in population databases (gnomAD no frequency). In summary, the available evidence is currently insufficient to determine the role of this variant in disease. Therefore, it has been classified as a Variant of Uncertain Significance. Algorithms developed to predict the effect of missense changes on protein structure and function are either unavailable or do not agree on the potential impact of this missense change (SIFT: "Tolerated"; PolyPhen-2: "Probably Damaging"; Align-GVGD: "Class C0"). This variant has not been reported in the literature in individuals affected with SBF1-related conditions.

NM_002972.4(SBF1):c.731A>G (p.Gln244Arg)

Gene: SBF1 (SET binding factor 1; minus strand). Cytogenetic location: 22q13.33.
Variant type: single nucleotide variant.
Coding change: c.731A>G on transcript NM_002972.4 (MANE Select); coding-DNA position 731, A replaced by G.
Protein change: p.Gln244Arg; replaces glutamine 244 with arginine.
Molecular consequence: missense variant.
Genome position (GRCh38, 1-based): chr22:50,466,407, T>C on the plus strand (A>G on the coding strand, the complement: SBF1 is on the minus strand). VCF-style: chr22-50466407-T-C. GRCh37 (hg19) VCF-style: chr22-50904836-T-C.
Other names: c.734A>G, p.Gln245Arg (NM_001365819.1, NM_001410794.1); c.731A>G, p.Gln244Arg (NM_001410795.1, NM_197971.1); short protein forms Q244R, Q245R.
Identifiers: ClinVar variation 2114789 (VCV002114789.4), dbSNP rs2522017196, ClinGen allele CA412221633.